The following is an entry in ClinVar:

ClinVar aggregate classification (germline): Conflicting classifications of pathogenicity. Review status: criteria provided, conflicting classifications (1 of 4 stars). 3 submissions from 3 submitters: Uncertain significance (2); Likely benign (1). Last evaluated 2024-10-31.

Allele frequency attached by ClinVar (database versions not stated): TOPMed 0.00086; gnomAD 0.00091 and 0.00094; ESP Exome Variant Server 0.00120; ExAC 0.00125; gnomAD exomes 0.00126.
gnomAD v4.1: 1,826 of 1,506,708 alleles (0.12%); highest among the groups gnomAD compares: Non-Finnish European, 0.15%; no homozygotes.

Submissions (3):

Blueprint Genetics
Classification: Likely benign. Last evaluated: 2024-10-31. Review status: criteria provided, single submitter. Criteria: ACMG Guidelines, 2015. Collection method: clinical testing. Allele origin: germline.

GeneDx
Classification: Uncertain significance. Last evaluated: 2020-08-12. Review status: criteria provided, single submitter. Criteria: GeneDx Variant Classification Process June 2021. Collection method: clinical testing. Allele origin: germline. Affected: yes.
Comment: In silico analysis supports that this missense variant has a deleterious effect on protein structure/function; Has not been previously published as pathogenic or benign to our knowledge

Breakthrough Genomics
Classification: Uncertain significance. Review status: criteria provided, single submitter. Criteria: ACMG Guidelines, 2015. Collection method: not provided. Allele origin: germline. Inheritance: Autosomal recessive inheritance. Affected: yes.

NM_001270974.2(HYDIN):c.10072G>A (p.Gly3358Arg)

Gene: HYDIN (HYDIN axonemal central pair apparatus protein; minus strand). Cytogenetic location: 16q22.2.
Variant type: single nucleotide variant.
Coding change: c.10072G>A on transcript NM_001270974.2 (MANE Select); coding-DNA position 10072, G replaced by A.
Protein change: p.Gly3358Arg; replaces glycine 3358 with arginine.
Molecular consequence: missense variant.
Genome position (GRCh38, 1-based): chr16:70,882,803, C>T on the plus strand (G>A on the coding strand, the complement: HYDIN is on the minus strand). VCF-style: chr16-70882803-C-T. GRCh37 (hg19) VCF-style: chr16-70916706-C-T.
Other names: short protein forms G3358R.
Identifiers: ClinVar variation 1304294 (VCV001304294.4), dbSNP rs200455187, ClinGen allele CA8149387.
Genomic context (GRCh38, chr16:70,882,803, plus strand): 5'-GGCGGCCCACCAGGACATTGCAGAAGATGAACTTGTTCTCATCCTCGACGAACAGCCCCC[C>T]GCTCTCTATGGTCTGCAGGATGTGGTGCAGGTTGGCACTGGTACATATCTGGTGCTCTTC-3'
Protein context (NP_001257903.1, residues 3348-3368): LHHILQTIES[Gly3358Arg]GLFVEDENKF